The following is an entry in ClinVar:

NM_032590.5(KDM2B):c.469G>A (p.Val157Met)

Gene: KDM2B (lysine demethylase 2B; minus strand). Cytogenetic location: 12q24.31.
Variant type: single nucleotide variant.
Coding change: c.469G>A on transcript NM_032590.5 (MANE Select); coding-DNA position 469, G replaced by A.
Protein change: p.Val157Met; replaces valine 157 with methionine.
Molecular consequence: missense variant.
Genome position (GRCh38, 1-based): chr12:121,549,567, C>T on the plus strand (G>A on the coding strand, the complement: KDM2B is on the minus strand). VCF-style: chr12-121549567-C-T. GRCh37 (hg19) VCF-style: chr12-121987472-C-T.
Other names: c.376G>A, p.Val126Met (NM_001005366.2); short protein forms V126M, V157M.
Identifiers: ClinVar variation 3384297 (VCV003384297.2).

ClinVar aggregate classification (germline): Uncertain significance. Review status: criteria provided, multiple submitters, no conflicts (2 of 4 stars). 2 submissions from 2 submitters: Uncertain significance (2). Last evaluated 2026-02-20.

Conditions:
Inborn genetic diseases. Identifiers: MedGen C0950123, MeSH D030342.

Submissions (2):

Ambry Genetics
Classification: Uncertain significance for Inborn genetic diseases. Last evaluated: 2026-02-20. Review status: criteria provided, single submitter. Criteria: Ambry Variant Classification Scheme 2023. Collection method: clinical testing. Allele origin: germline.
Comment: The c.469G>A (p.V157M) alteration is located in exon 5 (coding exon 5) of the KDM2B gene. This alteration results from a G to A substitution at nucleotide position 469, causing the valine (V) at amino acid position 157 to be replaced by a methionine (M). This variant was not reported in population-based cohorts in the Genome Aggregation Database (gnomAD). This amino acid position is well conserved in available vertebrate species. This missense variant is located in a region that has a low rate of benign missense variation (Lek, 2016; Firth, 2009). The in silico prediction for this alteration is inconclusive. Based on insufficient or conflicting evidence, the clinical significance of this alteration remains unclear.

GeneDx
Classification: Uncertain significance. Last evaluated: 2024-06-07. Review status: criteria provided, single submitter. Criteria: GeneDx Variant Classification Process June 2021. Collection method: clinical testing. Allele origin: germline. Affected: yes.
Comment: Not observed at significant frequency in large population cohorts (gnomAD); In silico analysis indicates that this missense variant does not alter protein structure/function; Has not been previously published as pathogenic or benign to our knowledge